The following is an entry in ClinVar:

ClinVar aggregate classification (germline): Uncertain significance (1 of 4 stars; one submission).

Conditions:
GNAS-related disorder. Identifiers: MedGen CN380105.

gnomAD v4.1: 6 of 1,613,174 alleles (0.00037%); highest among the groups gnomAD compares: African/African-American, 0.0053%; no homozygotes.

Submission:

PreventionGenetics, part of Exact Sciences
Classification: Uncertain significance for GNAS-related condition. Last evaluated: 2025-10-27. Review status: criteria provided, single submitter. Criteria: ACMG Guidelines, 2015. Collection method: clinical testing. Allele origin: germline.
Comment: The GNAS c.307C>T variant is predicted to result in the amino acid substitution p.Pro103Ser. To our knowledge, this variant has not been reported in the literature. This variant is reported in 0.0083% of alleles in individuals of African descent in gnomAD. In the more commonly reported disease related transcript NM_000516, this variant is a pre-coding change as c.-38155C>T. At this time, the clinical significance of this variant is uncertain due to the absence of conclusive functional and genetic evidence.

NM_080425.4(GNAS):c.307C>T (p.Pro103Ser)

Gene: GNAS (GNAS complex locus; plus strand). Cytogenetic location: 20q13.32.
Variant type: single nucleotide variant.
Coding change: c.307C>T on transcript NM_080425.4 (MANE Plus Clinical); coding-DNA position 307, C replaced by T.
Protein change: p.Pro103Ser; replaces proline 103 with serine.
Molecular consequence: missense variant. On other transcripts: synonymous variant (2), intron variant (3).
Genome position (GRCh38, 1-based): chr20:58,853,572, C>T. VCF-style: chr20-58853572-C-T. GRCh37 (hg19) VCF-style: chr20-57428627-C-T.
Other names: c.120C>T, p.Cys40= (NM_001077490.3, NM_001309883.1); c.307C>T, p.Pro103Ser (NM_001410913.1); c.*42+12686C>T (NM_016592.5); c.43+12686C>T (NM_001410912.1); c.-39+11697C>T (NM_001309861.2); short protein forms P103S.
Identifiers: ClinVar variation 4998798 (VCV004998798.1).